The following is an entry in ClinVar:

ClinVar aggregate classification (germline): Uncertain significance (1 of 4 stars; one submission).

Conditions:
Hereditary cancer-predisposing syndrome. Also called: Hereditary Cancer Syndrome; Neoplastic Syndromes, Hereditary; Tumor predisposition; Hereditary neoplastic syndrome. Identifiers: Orphanet 140162, MedGen C0027672, MeSH D009386, MONDO:0015356.

Allele frequency attached by ClinVar (database versions not stated): gnomAD exomes below 0.00001.
gnomAD v4.1: 1 of 1,614,164 alleles (0.000062%); highest among the groups gnomAD compares: Non-Finnish European, 0.000085%; no homozygotes.

Submission:

Color Diagnostics, LLC DBA Color Health
Classification: Uncertain significance for Hereditary cancer-predisposing syndrome. Last evaluated: 2023-12-05. Review status: criteria provided, single submitter. Criteria: ACMG Guidelines, 2015. Collection method: clinical testing. Allele origin: germline.
Comment: This missense variant replaces serine with threonine at codon 515 of the ATM protein. Computational prediction suggests that this variant may not impact protein structure and function (internally defined REVEL score threshold <= 0.5, PMID: 27666373). To our knowledge, functional studies have not been reported for this variant. This variant has not been reported in individuals affected with ATM-related disorders in the literature. This variant has not been identified in the general population by the Genome Aggregation Database (gnomAD). The available evidence is insufficient to determine the role of this variant in disease conclusively. Therefore, this variant is classified as a Variant of Uncertain Significance.

NM_000051.4(ATM):c.1544G>C (p.Ser515Thr)

Gene: ATM (ATM serine/threonine kinase; plus strand). Cytogenetic location: 11q22.3.
Variant type: single nucleotide variant.
Coding change: c.1544G>C on transcript NM_000051.4 (MANE Select); coding-DNA position 1544, G replaced by C.
Protein change: p.Ser515Thr; replaces serine 515 with threonine.
Molecular consequence: missense variant.
Genome position (GRCh38, 1-based): chr11:108,251,009, G>C. VCF-style: chr11-108251009-G-C. GRCh37 (hg19) VCF-style: chr11-108121736-G-C.
Other names: c.1544G>C, p.Ser515Thr (NM_001351834.2); short protein forms S515T.
Identifiers: ClinVar variation 489511 (VCV000489511.6), dbSNP rs1555071168, ClinGen allele CA382534322.
Genomic context (GRCh38, chr11:108,251,009, plus strand): 5'-TAAGTTCTGAGCAAATACAAGCTGAAAACTTTGGCTTACTTGGAGCCATAATTCAGGGTA[G>C]TTTAGTTGAGGTTGACAGAGAATTCTGGAAGTTATTTACTGGGTCAGCCTGCAGACCTTC-3'
Protein context (NP_000042.3, residues 505-525): FGLLGAIIQG[Ser515Thr]LVEVDREFWK